The following is an entry in ClinVar:

ClinVar aggregate classification (germline): Likely benign (1 of 4 stars; one submission).

Submission:

GeneDx
Classification: Likely benign. Last evaluated: 2025-04-24. Review status: criteria provided, single submitter. Criteria: GeneDx Variant Classification Process June 2021. Collection method: clinical testing. Allele origin: germline. Affected: yes.
Comment: See Variant Classification Assertion Criteria.

NM_001271.4(CHD2):c.1779A>G (p.Ile593Met)

Gene: CHD2 (chromodomain helicase DNA binding protein 2; plus strand). Cytogenetic location: 15q26.1.
Variant type: single nucleotide variant.
Coding change: c.1779A>G on transcript NM_001271.4 (MANE Select); coding-DNA position 1779, A replaced by G.
Protein change: p.Ile593Met; replaces isoleucine 593 with methionine.
Molecular consequence: missense variant.
Genome position (GRCh38, 1-based): chr15:92,955,482, A>G. VCF-style: chr15-92955482-A-G. GRCh37 (hg19) VCF-style: chr15-93498712-A-G.
Other names: short protein forms I593M.
Identifiers: ClinVar variation 3372356 (VCV003372356.2).